The following is an entry in ClinVar:

NM_001035.3(RYR2):c.3925G>A (p.Glu1309Lys)

Genes: RYR2 (ryanodine receptor 2; plus strand), LOC126806067 (BRD4-independent group 4 enhancer GRCh37_chr1:237753258-237754457; plus strand). Cytogenetic location: 1q43.
Variant type: single nucleotide variant.
Coding change: c.3925G>A on transcript NM_001035.3 (MANE Select); coding-DNA position 3925, G replaced by A.
Protein change: p.Glu1309Lys; replaces glutamic acid 1309 with lysine.
Molecular consequence: missense variant.
Genome position (GRCh38, 1-based): chr1:237,590,757, G>A. VCF-style: chr1-237590757-G-A. GRCh37 (hg19) VCF-style: chr1-237754057-G-A.
Other names: short protein forms E1309K.
Identifiers: ClinVar variation 4758468 (VCV004758468.1).
Genomic context (GRCh38, chr1:237,590,757, plus strand): 5'-TCTTTTGGTTCTCAGAACAGCAACACTGATATCATGTTTTATCGCCTGAGCATGCCGATC[G>A]AGTGCGCGGAGGTCTTCTCCAAGACGGTGGCTGGAGGGCTCCCTGGGGCTGGCCTTTTTG-3'
Protein context (NP_001026.2, residues 1299-1319): IMFYRLSMPI[Glu1309Lys]CAEVFSKTVA

ClinVar aggregate classification (germline): Uncertain significance (1 of 4 stars; one submission).

Conditions:
Cardiomyopathy (CMYO). Also called: Cardiomyopathies. Identifiers: Orphanet 167848, MedGen C0878544, MONDO:0004994, HP:0001638. Inheritance: Various modes of inheritance.

gnomAD v4.1: 1 of 1,613,768 alleles (0.000062%); highest among the groups gnomAD compares: Admixed American, 0.0017%; no homozygotes.

Submission:

Color Diagnostics, LLC DBA Color Health
Classification: Uncertain significance for Cardiomyopathy. Last evaluated: 2023-11-15. Review status: criteria provided, single submitter. Criteria: ACMG Guidelines, 2015. Collection method: clinical testing. Allele origin: germline.
Comment: This missense variant replaces glutamic acid with lysine at codon 1309 of the RYR2 protein. Computational prediction is inconclusive regarding the impact of this variant on protein structure and function. To our knowledge, functional studies have not been reported for this variant. This variant has not been reported in individuals affected with RYR2-related disorders in the literature. This variant has not been identified in the general population by the Genome Aggregation Database (gnomAD). The available evidence is insufficient to determine the role of this variant in disease conclusively. Therefore, this variant is classified as a Variant of Uncertain Significance.